The following is an entry in ClinVar:

ClinVar aggregate classification (germline): Uncertain significance (1 of 4 stars; one submission).

gnomAD v4.1: 11 of 1,529,454 alleles (0.00072%); highest among the groups gnomAD compares: South Asian, 0.0012%; no homozygotes.

Submission:

Ambry Genetics
Classification: Uncertain significance. Last evaluated: 2023-06-24. Review status: criteria provided, single submitter. Criteria: Ambry Variant Classification Scheme 2023. Collection method: clinical testing. Allele origin: germline.
Comment: The p.V98L variant (also known as c.292G>T), located in coding exon 1 of the GALNT12 gene, results from a G to T substitution at nucleotide position 292. The valine at codon 98 is replaced by leucine, an amino acid with highly similar properties. This amino acid position is conserved. In addition, this alteration is predicted to be tolerated by in silico analysis. Since supporting evidence is limited at this time, the clinical significance of this alteration remains unclear.

NM_024642.5(GALNT12):c.292G>T (p.Val98Leu)

Gene: GALNT12 (polypeptide N-acetylgalactosaminyltransferase 12; plus strand). Cytogenetic location: 9q22.33.
Variant type: single nucleotide variant.
Coding change: c.292G>T on transcript NM_024642.5 (MANE Select); coding-DNA position 292, G replaced by T.
Protein change: p.Val98Leu; replaces valine 98 with leucine.
Molecular consequence: missense variant.
Genome position (GRCh38, 1-based): chr9:98,807,990, G>T. VCF-style: chr9-98807990-G-T. GRCh37 (hg19) VCF-style: chr9-101570272-G-T.
Other names: short protein forms V98L.
Identifiers: ClinVar variation 2624767 (VCV002624767.2), dbSNP rs749211809, ClinGen allele CA374222822.